The following is an entry in ClinVar:

NM_138272.3(MPIG6B):c.324C>A (p.Cys108Ter)

Gene: MPIG6B (megakaryocyte and platelet inhibitory receptor G6b; plus strand). Cytogenetic location: 6p21.33.
Variant type: single nucleotide variant.
Coding change: c.324C>A on transcript NM_138272.3 (MANE Select); coding-DNA position 324, C replaced by A.
Protein change: p.Cys108Ter; replaces cysteine 108 with a stop codon.
Molecular consequence: nonsense.
Genome position (GRCh38, 1-based): chr6:31,723,901, C>A. VCF-style: chr6-31723901-C-A. GRCh37 (hg19) VCF-style: chr6-31691678-C-A.
Other names: p.Cys108*; c.324C>A, p.Cys108Ter (NM_025260.4, NM_138273.3, NM_138274.3 and 2 more transcripts); c.324C>A (NM_138277.2); short protein forms C108*.
Identifiers: ClinVar variation 417972 (VCV000417972.4), dbSNP rs1060505057, ClinGen allele CA16616949.

ClinVar aggregate classification (germline): Pathogenic. Review status: criteria provided, multiple submitters, no conflicts (2 of 4 stars). 4 submissions from 4 submitters: Pathogenic (3). 1 of the submissions does not count toward it. Last evaluated 2026-04-02.

Conditions:
Thrombocytopenia, anemia, and myelofibrosis (THAMY). Identifiers: MedGen C4479504, MONDO:0044316, OMIM 617441.

Allele frequency attached by ClinVar (database versions not stated): TOPMed 0.00001; gnomAD 0.00001.
gnomAD v4.1: 3 of 1,602,844 alleles (0.00019%); highest among the groups gnomAD compares: Non-Finnish European, 0.00026%; no homozygotes.

Submissions (4):

GeneDx
Classification: Pathogenic. Last evaluated: 2026-04-02. Review status: criteria provided, single submitter. Criteria: GeneDx Variant Classification Process June 2021. Collection method: clinical testing. Allele origin: germline.
Comment: Nonsense variant predicted to result in protein truncation or nonsense mediated decay in a gene for which loss of function is a known mechanism of disease (PMID: 27743390); Not observed at significant frequency in large population cohorts (gnomAD); This variant is associated with the following publications: (PMID: 39843441, 38694137, 41838173, 35330689, 35940081, 27743390, 36199254, 31276734)

Department of Molecular Genetics, Istishari Arab Hospital
Classification: Pathogenic for Thrombocytopenia, anemia, and myelofibrosis. Last evaluated: 2025-09-06. Review status: criteria provided, single submitter. Criteria: ACMG Guidelines, 2015. Collection method: clinical testing. Allele origin: germline. Inheritance: Autosomal recessive inheritance. Affected: yes.
Comment: The MPIG6B variant c.324C>A, p.Cys108* creates a premature stop codon at position 108 resulting in termination of protein. This variant has been previously reported in patients with familial autosomal recessive thrombocytopenia and anemia (PMID: 27743390). It is classified as pathogenic based on ACMG/AMP/ClinGen SVI guidelines.

3billion
Classification: Pathogenic for Thrombocytopenia, anemia, and myelofibrosis. Last evaluated: 2022-09-01. Review status: criteria provided, single submitter. Criteria: ACMG Guidelines, 2015. Collection method: clinical testing. Allele origin: germline. Affected: yes. Observed: 1 homozygote.
Comment: The variant is not observed in the gnomAD v2.1.1 dataset. Stop-gained (nonsense) is predicted to result in a loss or disruption of normal protein function through nonsense-mediated decay (NMD) or protein truncation. Multiple pathogenic variants are reported downstream of the variant. The variant has been reported to be associated with MPIG6B-related disorder (ClinVar ID: VCV000417972 / PMID: 27743390). Therefore, this variant is classified as Pathogenic according to the recommendation of ACMG/AMP guideline.

OMIM
Classification: Pathogenic for THROMBOCYTOPENIA, ANEMIA, AND MYELOFIBROSIS (1 family). Last evaluated: 2017-04-21. Review status: no assertion criteria provided. Collection method: literature only. Allele origin: germline. Not counted in ClinVar's aggregate classification.

Literature cited by the submitters: PubMed 27743390 (cited by 3 submitters).